The following is an entry in ClinVar:

ClinVar aggregate classification (germline): Pathogenic (1 of 4 stars; one submission).

Conditions:
Hereditary nonpolyposis colorectal neoplasms. Identifiers: MedGen C0009405, MeSH D003123.

Submission:

Labcorp Genetics (formerly Invitae), Labcorp
Classification: Pathogenic for Hereditary nonpolyposis colorectal neoplasms. Last evaluated: 2021-02-25. Review status: criteria provided, single submitter. Criteria: Invitae Variant Classification Sherloc (09022015). Collection method: clinical testing. Allele origin: germline.
Comment: This variant disrupts the C-terminus of the MSH6 protein. Other variant(s) that disrupt this region (p.Leu1330Valfs*12) have been determined to be pathogenic (PMID: 14520694, 15236168, 16237223, 19851887, 21155762). This suggests that variants that disrupt this region of the protein are likely to be causative of disease. For these reasons, this variant has been classified as Pathogenic. This variant has not been reported in the literature in individuals with MSH6-related conditions. This sequence change creates a premature translational stop signal (p.Leu1308Ilefs*20) in the MSH6 gene. While this is not anticipated to result in nonsense mediated decay, it is expected to disrupt the last 53 amino acid(s) of the MSH6 protein. This variant is not present in population databases (ExAC no frequency).

Literature cited by the submitters: PubMed 14520694; PubMed 15236168; PubMed 16237223; PubMed 19851887; PubMed 21155762.

NM_000179.3(MSH6):c.3920_3921dup (p.Leu1308fs)

Gene: MSH6 (mutS homolog 6; plus strand). Cytogenetic location: 2p16.3.
Variant type: Duplication.
Coding change: c.3920_3921dup on transcript NM_000179.3 (MANE Select); coding-DNA positions 3920 to 3921, 2 bases duplicated (AT; older notation c.3920_3921dupAT).
Protein change: p.Leu1308fs; shifts the reading frame from leucine 1308.
Molecular consequence: frameshift variant.
Genome position (GRCh38, 1-based): chr2:47,806,570-47,806,571, AT duplicated. VCF-style (leftmost placement, unchanged base first): chr2-47806569-A-AAT. GRCh37 (hg19) VCF-style: chr2-48033708-A-AAT.
Other names: c.3530_3531dup, p.Leu1178fs (NM_001281492.2); c.3014_3015dup, p.Leu1006fs (NM_001281493.2, NM_001281494.2); short protein forms L1178fs, L1308fs, L1006fs.
Identifiers: ClinVar variation 1375665 (VCV001375665.8), dbSNP rs2104561128, ClinGen allele CA2573134794.